The following is an entry in ClinVar:

ClinVar aggregate classification (germline): Uncertain significance (1 of 4 stars; one submission).

Conditions:
Hypertrophic cardiomyopathy 1 (CMH1). Also called: MYH7-Related Familial Hypertrophic Cardiomyopathy; Familial hypertrophic cardiomyopathy 1. Identifiers: MedGen C3495498, MONDO:0008647, OMIM 192600.

Allele frequency attached by ClinVar (database versions not stated): gnomAD exomes below 0.00001; gnomAD 0.00001.
gnomAD v4.1: 6 of 1,613,892 alleles (0.00037%); highest among the groups gnomAD compares: African/African-American, 0.0027%; no homozygotes.

Submission:

Labcorp Genetics (formerly Invitae), Labcorp
Classification: Uncertain significance for Hypertrophic cardiomyopathy 1. Last evaluated: 2024-04-09. Review status: criteria provided, single submitter. Criteria: Invitae Variant Classification Sherloc (09022015). Collection method: clinical testing. Allele origin: germline.
Comment: This sequence change replaces aspartic acid, which is acidic and polar, with histidine, which is basic and polar, at codon 40 of the MYLK2 protein (p.Asp40His). This variant is not present in population databases (gnomAD no frequency). This variant has not been reported in the literature in individuals affected with MYLK2-related conditions. ClinVar contains an entry for this variant (Variation ID: 1429893). An algorithm developed to predict the effect of missense changes on protein structure and function (PolyPhen-2) suggests that this variant is likely to be tolerated. In summary, the available evidence is currently insufficient to determine the role of this variant in disease. Therefore, it has been classified as a Variant of Uncertain Significance.

NM_033118.4(MYLK2):c.118G>C (p.Asp40His)

Gene: MYLK2 (myosin light chain kinase 2; plus strand). Cytogenetic location: 20q11.21.
Variant type: single nucleotide variant.
Coding change: c.118G>C on transcript NM_033118.4 (MANE Select); coding-DNA position 118, G replaced by C.
Protein change: p.Asp40His; replaces aspartic acid 40 with histidine.
Molecular consequence: missense variant.
Genome position (GRCh38, 1-based): chr20:31,820,191, G>C. VCF-style: chr20-31820191-G-C. GRCh37 (hg19) VCF-style: chr20-30407994-G-C.
Other names: short protein forms D40H.
Identifiers: ClinVar variation 1429893 (VCV001429893.8), dbSNP rs1442623234, ClinGen allele CA408524953.
Genomic context (GRCh38, chr20:31,820,191, plus strand): 5'-GCACCTAAAGGTCCCACAGGTGAAAGACCCCTGGCTGCAGGGAAAGACCCTGGCCCCCCA[G>C]ACCCAAAGAAAGCTCCGGATCCACCCACCCTGAAGAAAGATGCCAAAGCCCCTGCCTCAG-3'
Protein context (NP_149109.1, residues 30-50): LAAGKDPGPP[Asp40His]PKKAPDPPTL